The following is an entry in ClinVar:

ClinVar aggregate classification (germline): Uncertain significance (1 of 4 stars; one submission).

Conditions:
Deficiency of ferroxidase (ACEP). Also called: Aceruloplasminemia; Deficiency of ceruloplasmin; Ceruloplasmin deficiency; Familial apoceruloplasmin deficiency; Hereditary ceruloplasmin deficiency; NEURODEGENERATION WITH BRAIN IRON ACCUMULATION 10. Identifiers: Orphanet 48818, MedGen C0878682, MONDO:0011426, OMIM 604290, HP:0025498.

Submission:

Labcorp Genetics (formerly Invitae), Labcorp
Classification: Uncertain significance for Deficiency of ferroxidase. Last evaluated: 2022-07-12. Review status: criteria provided, single submitter. Criteria: Invitae Variant Classification Sherloc (09022015). Collection method: clinical testing. Allele origin: germline.
Comment: This variant is not present in population databases (gnomAD no frequency). This variant has not been reported in the literature in individuals affected with CP-related conditions. Advanced modeling of protein sequence and biophysical properties (such as structural, functional, and spatial information, amino acid conservation, physicochemical variation, residue mobility, and thermodynamic stability) performed at Invitae indicates that this missense variant is expected to disrupt CP protein function. In summary, the available evidence is currently insufficient to determine the role of this variant in disease. Therefore, it has been classified as a Variant of Uncertain Significance. This sequence change replaces glutamic acid, which is acidic and polar, with aspartic acid, which is acidic and polar, at codon 226 of the CP protein (p.Glu226Asp).

NM_000096.4(CP):c.678A>C (p.Glu226Asp)

Gene: CP (ceruloplasmin; minus strand). Cytogenetic location: 3q25.1.
Variant type: single nucleotide variant.
Coding change: c.678A>C on transcript NM_000096.4 (MANE Select); coding-DNA position 678, A replaced by C.
Protein change: p.Glu226Asp; replaces glutamic acid 226 with aspartic acid.
Molecular consequence: missense variant. On other transcripts: non-coding transcript variant (1).
Genome position (GRCh38, 1-based): chr3:149,209,314, T>G on the plus strand (A>C on the coding strand, the complement: CP is on the minus strand). VCF-style: chr3-149209314-T-G. GRCh37 (hg19) VCF-style: chr3-148927101-T-G.
Other names: short protein forms E226D.
Identifiers: ClinVar variation 2038143 (VCV002038143.4), dbSNP rs372825584, ClinGen allele CA354916499.